The following is an entry in ClinVar:

NM_004385.5(VCAN):c.3539T>C (p.Leu1180Ser)

Gene: VCAN (versican; plus strand). Cytogenetic location: 5q14.3.
Variant type: single nucleotide variant.
Coding change: c.3539T>C on transcript NM_004385.5 (MANE Select); coding-DNA position 3539, T replaced by C.
Protein change: p.Leu1180Ser; replaces leucine 1180 with serine.
Molecular consequence: missense variant. On other transcripts: intron variant (2).
Genome position (GRCh38, 1-based): chr5:83,521,845, T>C. VCF-style: chr5-83521845-T-C. GRCh37 (hg19) VCF-style: chr5-82817664-T-C.
Other names: c.3539T>C, p.Leu1180Ser (NM_001164098.2); c.1042+9449T>C (NM_001164097.2, NM_001126336.3); short protein forms L1180S.
Identifiers: ClinVar variation 4764354 (VCV004764354.2).

ClinVar aggregate classification (germline): Uncertain significance. Review status: criteria provided, multiple submitters, no conflicts (2 of 4 stars). 2 submissions from 2 submitters: Uncertain significance (2). Last evaluated 2025-02-11.

gnomAD v4.1: 2 of 1,614,050 alleles (0.00012%); highest among the groups gnomAD compares: African/African-American, 0.0027%; no homozygotes.

Submissions (2):

Labcorp Genetics (formerly Invitae), Labcorp
Classification: Uncertain significance. Last evaluated: 2025-02-11. Review status: criteria provided, single submitter. Criteria: Invitae Variant Classification Sherloc (09022015). Collection method: clinical testing. Allele origin: germline.
Comment: This sequence change replaces leucine, which is neutral and non-polar, with serine, which is neutral and polar, at codon 1180 of the VCAN protein (p.Leu1180Ser). This variant is not present in population databases (gnomAD no frequency). This variant has not been reported in the literature in individuals affected with VCAN-related conditions. An algorithm developed to predict the effect of missense changes on protein structure and function (PolyPhen-2) suggests that this variant is likely to be tolerated. In summary, the available evidence is currently insufficient to determine the role of this variant in disease. Therefore, it has been classified as a Variant of Uncertain Significance.

Blueprint Genetics
Classification: Uncertain significance. Last evaluated: 2021-12-31. Review status: criteria provided, single submitter. Criteria: ACMG Guidelines, 2015. Collection method: clinical testing. Allele origin: germline.